The following is an entry in ClinVar:

NM_000543.5(SMPD1):c.1688G>A (p.Arg563Gln)

Gene: SMPD1 (sphingomyelin phosphodiesterase 1; plus strand). Cytogenetic location: 11p15.4.
Variant type: single nucleotide variant.
Coding change: c.1688G>A on transcript NM_000543.5 (MANE Select); coding-DNA position 1688, G replaced by A.
Protein change: p.Arg563Gln; replaces arginine 563 with glutamine.
Molecular consequence: missense variant. On other transcripts: 3 prime UTR variant (1), non-coding transcript variant (2).
Genome position (GRCh38, 1-based): chr11:6,394,399, G>A. VCF-style: chr11-6394399-G-A. GRCh37 (hg19) VCF-style: chr11-6415629-G-A.
Other names: c.1685G>A, p.Arg562Gln (NM_001007593.3); c.*181G>A (NM_001318087.2); c.767G>A, p.Arg256Gln (NM_001318088.2); c.1556G>A, p.Arg519Gln (NM_001365135.2); short protein forms R256Q, R519Q, R562Q, R563Q.
Identifiers: ClinVar variation 2426145 (VCV002426145.5), dbSNP rs767240635, ClinGen allele CA5852967.

ClinVar aggregate classification (germline): Uncertain significance (1 of 4 stars; one submission).

Conditions:
Niemann-Pick disease, type B. Also called: Chronic Visceral ASMD (Niemann-Pick Disease Type B; NPD-B). Identifiers: Orphanet 77293, MedGen C0268243, MONDO:0011871, OMIM 607616. Disease mechanism: loss of function.
Niemann-Pick disease, type A. Also called: SPHINGOMYELIN LIPIDOSIS; SPHINGOMYELINASE DEFICIENCY; Infantile Neurovisceral ASMD (Niemann-Pick Disease Type A; NPD-A). Identifiers: Orphanet 77292, MedGen C0268242, MONDO:0009756, OMIM 257200. Disease mechanism: loss of function.

Allele frequency attached by ClinVar (database versions not stated): gnomAD 0.00001; TOPMed 0.00001; ExAC 0.00002; gnomAD exomes 0.00002.

Submission:

Labcorp Genetics (formerly Invitae), Labcorp
Classification: Uncertain significance for Niemann-Pick disease, type B; Niemann-Pick disease, type A. Last evaluated: 2024-10-07. Review status: criteria provided, single submitter. Criteria: Invitae Variant Classification Sherloc (09022015). Collection method: clinical testing. Allele origin: germline.
Comment: This sequence change replaces arginine, which is basic and polar, with glutamine, which is neutral and polar, at codon 563 of the SMPD1 protein (p.Arg563Gln). This variant is present in population databases (rs767240635, gnomAD 0.02%). This variant has not been reported in the literature in individuals affected with SMPD1-related conditions. ClinVar contains an entry for this variant (Variation ID: 2426145). Invitae Evidence Modeling of protein sequence and biophysical properties (such as structural, functional, and spatial information, amino acid conservation, physicochemical variation, residue mobility, and thermodynamic stability) indicates that this missense variant is not expected to disrupt SMPD1 protein function with a negative predictive value of 95%. In summary, the available evidence is currently insufficient to determine the role of this variant in disease. Therefore, it has been classified as a Variant of Uncertain Significance.